The following is an entry in ClinVar:

ClinVar aggregate classification (germline): Uncertain significance (1 of 4 stars; one submission).

gnomAD v4.1: 5 of 1,612,574 alleles (0.00031%); highest among the groups gnomAD compares: African/African-American, 0.0027%; no homozygotes.

Submission:

Labcorp Genetics (formerly Invitae), Labcorp
Classification: Uncertain significance. Last evaluated: 2024-06-12. Review status: criteria provided, single submitter. Criteria: Invitae Variant Classification Sherloc (09022015). Collection method: clinical testing. Allele origin: germline.
Comment: This sequence change replaces aspartic acid, which is acidic and polar, with asparagine, which is neutral and polar, at codon 502 of the TTBK2 protein (p.Asp502Asn). This variant is not present in population databases (gnomAD no frequency). This variant has not been reported in the literature in individuals affected with TTBK2-related conditions. Advanced modeling of protein sequence and biophysical properties (such as structural, functional, and spatial information, amino acid conservation, physicochemical variation, residue mobility, and thermodynamic stability) performed at Invitae indicates that this missense variant is not expected to disrupt TTBK2 protein function with a negative predictive value of 80%. In summary, the available evidence is currently insufficient to determine the role of this variant in disease. Therefore, it has been classified as a Variant of Uncertain Significance.

NM_173500.4(TTBK2):c.1504G>A (p.Asp502Asn)

Gene: TTBK2 (tau tubulin kinase 2; minus strand). Cytogenetic location: 15q15.2.
Variant type: single nucleotide variant.
Coding change: c.1504G>A on transcript NM_173500.4 (MANE Select); coding-DNA position 1504, G replaced by A.
Protein change: p.Asp502Asn; replaces aspartic acid 502 with asparagine.
Molecular consequence: missense variant.
Genome position (GRCh38, 1-based): chr15:42,775,629, C>T on the plus strand (G>A on the coding strand, the complement: TTBK2 is on the minus strand). VCF-style: chr15-42775629-C-T. GRCh37 (hg19) VCF-style: chr15-43067827-C-T.
Other names: short protein forms D502N.
Identifiers: ClinVar variation 3688088 (VCV003688088.2).